The following is an entry in ClinVar:

ClinVar aggregate classification (germline): Likely pathogenic (1 of 4 stars; one submission).

Conditions:
Age related macular degeneration 4. Identifiers: MedGen C1853147, MONDO:0012540, OMIM 610698.

gnomAD v4.1: 3 of 1,612,874 alleles (0.00019%); highest among the groups gnomAD compares: Non-Finnish European, 0.00025%; no homozygotes.

Submission:

Genomenon, Inc
Classification: Likely pathogenic for Age related macular degeneration 4. Last evaluated: 2026-09-17. Review status: criteria provided, single submitter. Criteria: Genomenon Sequence Variant Interpretation Standards - Updated. Collection method: curation. Allele origin: germline. Affected: yes.
Comment: CFH p.Ser193Leu (c.578C>T) is a missense variant that changes the amino acid at codon 193 from serine to leucine. This variant has been observed in at least one proband affected with age-related macular degeneration (PMID: 34945728; 34508573; 25814826). The variant was found to segregate with disease in at least one affected family (PMID: 34508573). Functional studies have been reported (PMID: 34508573). It is absent or not present at a significant frequency in gnomAD. In silico models predict that this variant is possibly or probably damaging. In conclusion, we classify CFH p.Ser193Leu (c.578C>T) as a likely pathogenic variant.

Literature cited by the submitters: PubMed 34945728; PubMed 34508573; PubMed 25814826.

NM_000186.4(CFH):c.578C>T (p.Ser193Leu)

Gene: CFH (complement factor H; plus strand). Cytogenetic location: 1q31.3.
Variant type: single nucleotide variant.
Coding change: c.578C>T on transcript NM_000186.4 (MANE Select); coding-DNA position 578, C replaced by T.
Protein change: p.Ser193Leu; replaces serine 193 with leucine.
Molecular consequence: missense variant.
Genome position (GRCh38, 1-based): chr1:196,677,626, C>T. VCF-style: chr1-196677626-C-T. GRCh37 (hg19) VCF-style: chr1-196646756-C-T.
Other names: c.578C>T, p.Ser193Leu (NM_001014975.3); short protein forms S193L.
Identifiers: ClinVar variation 4291303 (VCV004291303.2).